The following is an entry in ClinVar:

ClinVar aggregate classification (germline): Uncertain significance (1 of 4 stars; one submission).

Conditions:
Myopathy, proximal, and ophthalmoplegia (CMYO6). Also called: MYOPATHY WITH CONGENITAL JOINT CONTRACTURES, OPHTHALMOPLEGIA, AND RIMMED VACUOLES; CONGENITAL MYOPATHY 6 WITH OPHTHALMOPLEGIA; INCLUSION BODY MYOPATHY 3, AUTOSOMAL DOMINANT. Identifiers: Orphanet 363677, Orphanet 79091, MedGen C1854106, MONDO:0011577, OMIM 605637.

Submission:

Neuberg Centre For Genomic Medicine, NCGM
Classification: Uncertain significance for Myopathy, proximal, and ophthalmoplegia. Review status: criteria provided, single submitter. Criteria: ACMG Guidelines, 2015. Collection method: clinical testing. Allele origin: germline. Inheritance: Autosomal dominant inheritance. Affected: yes.
Comment: The observed missense c.1410T>G (p.Ile470Met) variant in MYH2 gene has not been reported previously as a pathogenic variant nor as a benign variant, to our knowledge. The p.Ile470Met variant is absent in gnomAD Exomes. This variant has not been submitted to the ClinVar database. Multiple lines of computational evidence (Polyphen - Probably Damaging, SIFT - Damaging and MutationTaster - Disease causing) predict a damaging effect on protein structure and function for this variant. The reference amino acid of p.Ile470Met in MYH2 is predicted as conserved by PhyloP across 100 vertebrates. The amino acid Ile at position 470 is changed to a Met changing protein sequence and it might alter its composition and physico-chemical properties. For these reasons, this variant has been classified as a Variant of Uncertain Significance (VUS).

NM_017534.6(MYH2):c.1410T>G (p.Ile470Met)

Genes: MYHAS (myosin heavy chain gene cluster antisense RNA; plus strand), MYH2 (myosin heavy chain 2; minus strand). Cytogenetic location: 17p13.1.
Variant type: single nucleotide variant.
Coding change: c.1410T>G on transcript NM_017534.6 (MANE Select); coding-DNA position 1410, T replaced by G.
Protein change: p.Ile470Met; replaces isoleucine 470 with methionine.
Molecular consequence: missense variant.
Genome position (GRCh38, 1-based): chr17:10,539,211, A>C on the plus strand (T>G on the coding strand, the complement: MYH2 is on the minus strand). VCF-style: chr17-10539211-A-C. GRCh37 (hg19) VCF-style: chr17-10442528-A-C.
Other names: c.1410T>G, p.Ile470Met (NM_001100112.2); short protein forms I470M.
Identifiers: ClinVar variation 3377692 (VCV003377692.1).